The following is an entry in ClinVar:

ClinVar aggregate classification (germline): Uncertain significance. Review status: criteria provided, multiple submitters, no conflicts (2 of 4 stars). 2 submissions from 2 submitters: Uncertain significance (2). Last evaluated 2025-04-16.

gnomAD v4.1: 13 of 1,584,872 alleles (0.00082%); highest among the groups gnomAD compares: Middle Eastern, 0.017%; no homozygotes.

Submissions (2):

Labcorp Genetics (formerly Invitae), Labcorp
Classification: Uncertain significance. Last evaluated: 2025-04-16. Review status: criteria provided, single submitter. Criteria: Invitae Variant Classification Sherloc (09022015). Collection method: clinical testing. Allele origin: germline.
Comment: This sequence change replaces glycine, which is neutral and non-polar, with arginine, which is basic and polar, at codon 2094 of the DSCAML1 protein (p.Gly2094Arg). The frequency data for this variant in the population databases is considered unreliable, as metrics indicate poor data quality at this position in the gnomAD database. This variant has not been reported in the literature in individuals affected with DSCAML1-related conditions. ClinVar contains an entry for this variant (Variation ID: 1952624). An algorithm developed to predict the effect of missense changes on protein structure and function (PolyPhen-2) suggests that this variant is likely to be tolerated. In summary, the available evidence is currently insufficient to determine the role of this variant in disease. Therefore, it has been classified as a Variant of Uncertain Significance.

Ambry Genetics
Classification: Uncertain significance. Last evaluated: 2023-06-23. Review status: criteria provided, single submitter. Criteria: Ambry Variant Classification Scheme 2023. Collection method: clinical testing. Allele origin: germline.

NM_020693.4(DSCAML1):c.6100G>A (p.Gly2034Arg)

Gene: DSCAML1 (DS cell adhesion molecule like 1; minus strand). Cytogenetic location: 11q23.3.
Variant type: single nucleotide variant.
Coding change: c.6100G>A on transcript NM_020693.4 (MANE Select); coding-DNA position 6100, G replaced by A.
Protein change: p.Gly2034Arg; replaces glycine 2034 with arginine.
Molecular consequence: missense variant.
Genome position (GRCh38, 1-based): chr11:117,428,390, C>T on the plus strand (G>A on the coding strand, the complement: DSCAML1 is on the minus strand). VCF-style: chr11-117428390-C-T. GRCh37 (hg19) VCF-style: chr11-117299106-C-T.
Other names: c.6280G>A (NM_020693.2); short protein forms G2034R.
Identifiers: ClinVar variation 1952624 (VCV001952624.7), dbSNP rs202136721, ClinGen allele CA6295868.